The following is an entry in ClinVar:

ClinVar aggregate classification (germline): Uncertain significance (1 of 4 stars; one submission).

Conditions:
Male pseudohermaphroditism. Identifiers: MedGen C0238395, MeSH D058490, HP:0000037.

gnomAD v4.1: 42 of 1,604,638 alleles (0.0026%); highest among the groups gnomAD compares: Admixed American, 0.047%; no homozygotes.

Submission:

Center of Excellence of Human Genetics, National Research Center
Classification: Uncertain significance for Male pseudohermaphroditism. Review status: criteria provided, single submitter. Criteria: ACMG Guidelines, 2015. Collection method: clinical testing. Allele origin: maternal. Affected: yes. Observed: 1 heterozygote.
Comment: The c.1349A>G (p.Lys450Arg) variant is extremely rare, found in gnomAD with FAF of 0.0003324 and not detected in a homozygous state before. The nucleotide A is highly conserved with PhyloP100 of 8.8. These evidences confirm the classification of a variant of uncertain significance.

Literature cited by the submitters: PubMed 29735715; PubMed 36631813.

NM_001206998.2(ZNRF3):c.1349A>G (p.Lys450Arg)

Gene: ZNRF3 (zinc and ring finger 3; plus strand). Cytogenetic location: 22q12.1.
Variant type: single nucleotide variant.
Coding change: c.1349A>G on transcript NM_001206998.2 (MANE Select); coding-DNA position 1349, A replaced by G.
Protein change: p.Lys450Arg; replaces lysine 450 with arginine.
Molecular consequence: missense variant.
Genome position (GRCh38, 1-based): chr22:29,049,530, A>G. VCF-style: chr22-29049530-A-G. GRCh37 (hg19) VCF-style: chr22-29445518-A-G.
Other names: p.Lys450Arg; c.1049A>G, p.Lys350Arg (NM_032173.4); short protein forms K350R, K450R.
Identifiers: ClinVar variation 4081598 (VCV004081598.1).